The following is an entry in ClinVar:

ClinVar aggregate classification (germline): Uncertain significance (1 of 4 stars; one submission).

Submission:

Labcorp Genetics (formerly Invitae), Labcorp
Classification: Uncertain significance. Last evaluated: 2025-12-15. Review status: criteria provided, single submitter. Criteria: Invitae Variant Classification Sherloc (09022015). Collection method: clinical testing. Allele origin: germline.
Comment: This sequence change affects codon 497 of the DDX59 mRNA. It is a 'silent' change, meaning that it does not change the encoded amino acid sequence of the DDX59 protein. This variant is not present in population databases (gnomAD no frequency). This variant has not been reported in the literature in individuals affected with DDX59-related conditions. Algorithms developed to predict the effect of sequence changes on RNA splicing suggest that this variant may disrupt the consensus splice site. In summary, the available evidence is currently insufficient to determine the role of this variant in disease. Therefore, it has been classified as a Variant of Uncertain Significance.

NM_001031725.6(DDX59):c.1491A>G (p.Glu497=)

Gene: DDX59 (DEAD-box helicase 59; minus strand). Cytogenetic location: 1q32.1.
Variant type: single nucleotide variant.
Coding change: c.1491A>G on transcript NM_001031725.6 (MANE Select); coding-DNA position 1491, A replaced by G.
Protein change: p.Glu497=; no amino-acid change (glutamic acid 497 retained).
Molecular consequence: synonymous variant. On other transcripts: intron variant (2).
Genome position (GRCh38, 1-based): chr1:200,648,544, T>C on the plus strand (A>G on the coding strand, the complement: DDX59 is on the minus strand). VCF-style: chr1-200648544-T-C. GRCh37 (hg19) VCF-style: chr1-200617672-T-C.
Other names: c.1491A>G, p.Glu497= (NM_001320181.2, NM_001349799.3, NM_001349800.3 and 1 more transcripts); c.1149A>G, p.Glu383= (NM_001320182.1); c.1239A>G, p.Glu413= (NM_001349803.3); c.1063-4027A>G (NM_001349804.2); c.1467+530A>G (NM_001349801.3).
Identifiers: ClinVar variation 4732749 (VCV004732749.1).